The following is an entry in ClinVar:

ClinVar aggregate classification (germline): Uncertain significance (1 of 4 stars; one submission).

Allele frequency attached by ClinVar (database versions not stated): gnomAD 0.00001 and 0.00003; gnomAD exomes 0.00003 and 0.00004; ExAC 0.00004; TOPMed 0.00005; 1000 Genomes Project 30x 0.00031; 1000 Genomes Project 0.00040.
gnomAD v4.1: 50 of 1,605,128 alleles (0.0031%); highest among the groups gnomAD compares: East Asian, 0.018%; no homozygotes.

Submission:

Labcorp Genetics (formerly Invitae), Labcorp
Classification: Uncertain significance. Last evaluated: 2022-08-23. Review status: criteria provided, single submitter. Criteria: Invitae Variant Classification Sherloc (09022015). Collection method: clinical testing. Allele origin: germline.
Comment: This sequence change replaces aspartic acid, which is acidic and polar, with asparagine, which is neutral and polar, at codon 53 of the IFNAR1 protein (p.Asp53Asn). This variant is present in population databases (rs377298705, gnomAD 0.02%). This variant has not been reported in the literature in individuals affected with IFNAR1-related conditions. ClinVar contains an entry for this variant (Variation ID: 1412746). Algorithms developed to predict the effect of missense changes on protein structure and function output the following: SIFT: "Tolerated"; PolyPhen-2: "Benign"; Align-GVGD: "Class C0". The asparagine amino acid residue is found in multiple mammalian species, which suggests that this missense change does not adversely affect protein function. In summary, the available evidence is currently insufficient to determine the role of this variant in disease. Therefore, it has been classified as a Variant of Uncertain Significance.

NM_000629.3(IFNAR1):c.157G>A (p.Asp53Asn)

Gene: IFNAR1 (interferon alpha and beta receptor subunit 1; plus strand). Cytogenetic location: 21q22.11.
Variant type: single nucleotide variant.
Coding change: c.157G>A on transcript NM_000629.3 (MANE Select); coding-DNA position 157, G replaced by A.
Protein change: p.Asp53Asn; replaces aspartic acid 53 with asparagine.
Molecular consequence: missense variant. On other transcripts: 5 prime UTR variant (3).
Genome position (GRCh38, 1-based): chr21:33,335,604, G>A. VCF-style: chr21-33335604-G-A. GRCh37 (hg19) VCF-style: chr21-34707910-G-A.
Other names: c.157G>A, p.Asp53Asn (NM_001384498.1, NM_001384499.1, NM_001384501.1 and 1 more transcripts); c.-630G>A (NM_001384500.1); c.-227G>A (NM_001384502.1); c.-51G>A (NM_001384504.1); short protein forms D53N.
Identifiers: ClinVar variation 1412746 (VCV001412746.5), dbSNP rs377298705, ClinGen allele CA10006400.